The following is an entry in ClinVar:

NM_000204.5(CFI):c.726T>C (p.Asp242=)

Gene: CFI (complement factor I; minus strand). Cytogenetic location: 4q25.
Variant type: single nucleotide variant.
Coding change: c.726T>C on transcript NM_000204.5 (MANE Select); coding-DNA position 726, T replaced by C.
Protein change: p.Asp242=; no amino-acid change (aspartic acid 242 retained).
Molecular consequence: synonymous variant. On other transcripts: non-coding transcript variant (3).
Genome position (GRCh38, 1-based): chr4:109,760,569, A>G on the plus strand (T>C on the coding strand, the complement: CFI is on the minus strand). VCF-style: chr4-109760569-A-G. GRCh37 (hg19) VCF-style: chr4-110681725-A-G.
Other names: c.726T>C, p.Asp242= (NM_001318057.2, NM_001331035.2, NM_001375278.1 and 5 more transcripts); c.117T>C, p.Asp39= (NM_001375284.1).
Identifiers: ClinVar variation 2149828 (VCV002149828.5), dbSNP rs144048103, ClinGen allele CA3042202.

ClinVar aggregate classification (germline): Likely benign. Review status: criteria provided, multiple submitters, no conflicts (2 of 4 stars). 2 submissions from 2 submitters: Likely benign (2). Last evaluated 2025-09-26.

Conditions:
CFI-related disorder. Also called: CFI-related condition; CFI-related disorders. Identifiers: MedGen CN239325.

Allele frequency attached by ClinVar (database versions not stated): gnomAD exomes below 0.00001; ExAC 0.00001; gnomAD 0.00001; TOPMed 0.00001; ESP Exome Variant Server 0.00008.
gnomAD v4.1: 2 of 1,611,558 alleles (0.00012%); highest among the groups gnomAD compares: Non-Finnish European, 0.00017%; no homozygotes.

Submissions (2):

Genomenon, Inc
Classification: Likely benign for CFI-related disorder. Last evaluated: 2025-09-26. Review status: criteria provided, single submitter. Criteria: Genomenon Sequence Variant Interpretation Standards - Updated. Collection method: curation. Allele origin: germline. Affected: no.
Comment: CFI p.Asp242= (c.726T>C) is a synonymous variant that retains Aspartic acid at residue 242. This variant has been reported in the published literature (PMID:23475501). It is absent or not present at a significant frequency in gnomAD. This synonymous variant is not predicted to impact splicing. In conclusion, we classify CFI p.Asp242= (c.726T>C) as a likely benign variant.

Labcorp Genetics (formerly Invitae), Labcorp
Classification: Likely benign. Last evaluated: 2024-12-19. Review status: criteria provided, single submitter. Criteria: Invitae Variant Classification Sherloc (09022015). Collection method: clinical testing. Allele origin: germline.

Literature cited by the submitters: PubMed 23475501 (cited by Genomenon, Inc).